The following is an entry in ClinVar:

NM_213655.5(WNK1):c.3226C>T (p.Arg1076Ter)

Gene: WNK1 (WNK lysine deficient protein kinase 1; plus strand). Cytogenetic location: 12p13.33.
Variant type: single nucleotide variant.
Coding change: c.3226C>T on transcript NM_213655.5 (MANE Plus Clinical); coding-DNA position 3226, C replaced by T.
Protein change: p.Arg1076Ter; replaces arginine 1076 with a stop codon.
Molecular consequence: nonsense. On other transcripts: intron variant (2).
Genome position (GRCh38, 1-based): chr12:868,697, C>T. VCF-style: chr12-868697-C-T. GRCh37 (hg19) VCF-style: chr12-977863-C-T.
Other names: R290*; c.2971C>T, p.Arg991Ter (NM_001184985.2); c.2140-2568C>T (NM_018979.4, NM_014823.3); short protein forms R1076*, R991*.
Identifiers: ClinVar variation 5168 (VCV000005168.18), dbSNP rs111033591, ClinGen allele CA117304.
Genomic context (GRCh38, chr12:868,697, plus strand): 5'-GTTCACACACCAAGCTCCTCTTCAGGAGAAGGAGGTGGAATTTTACCTCAGCGTGTTTAC[C>T]GAAATCGGCAGGTTGCAGTGGACTTGAATCAAGAAGAACTGCCTCCTCAATCAGTTGGAT-3'

ClinVar aggregate classification (germline): Pathogenic. Review status: criteria provided, multiple submitters, no conflicts (2 of 4 stars). 7 submissions from 7 submitters: Pathogenic (6). 1 of the submissions does not count toward it. Last evaluated 2025-10-21.

Conditions:
Hereditary neuropathy or pain disorder.
Pseudohypoaldosteronism type 2C (PHA2C). Also called: Pseudohypoaldosteronism Type IIC. Identifiers: Orphanet 757, Orphanet 88940, MedGen C1840391, MONDO:0013778, OMIM 614492.
Neuropathy, hereditary sensory and autonomic, type 2A (HSAN2A). Also called: ACROOSTEOLYSIS, GIACCAI TYPE; ACROOSTEOLYSIS, NEUROGENIC; MORVAN DISEASE; NEUROPATHY, CONGENITAL SENSORY; NEUROPATHY, HEREDITARY SENSORY RADICULAR, AUTOSOMAL RECESSIVE; NEUROPATHY, HEREDITARY SENSORY, TYPE IIA. Identifiers: Orphanet 970, MedGen C2752089, MONDO:0024309, OMIM 201300.

Allele frequency attached by ClinVar (database versions not stated): gnomAD 0.00002; gnomAD exomes 0.00002 and 0.00001; TOPMed 0.00003; ExAC 0.00001.
gnomAD v4.1: 13 of 1,613,766 alleles (0.00081%); highest among the groups gnomAD compares: African/African-American, 0.0027%; no homozygotes.

Submissions (7):

NHS Central & South Genomic Laboratory Hub
Classification: Pathogenic for Hereditary neuropathy or pain disorder. Last evaluated: 2025-10-21. Review status: criteria provided, single submitter. Criteria: ACMG Guidelines, 2015. Collection method: clinical testing. Allele origin: germline. Affected: yes.

Labcorp Genetics (formerly Invitae), Labcorp
Classification: Pathogenic for Neuropathy, hereditary sensory and autonomic, type 2A; Pseudohypoaldosteronism type 2C. Last evaluated: 2025-08-20. Review status: criteria provided, single submitter. Criteria: Invitae Variant Classification Sherloc (09022015). Collection method: clinical testing. Allele origin: germline.
Comment: This sequence change creates a premature translational stop signal (p.Arg1076*) in the WNK1 gene. It is expected to result in an absent or disrupted protein product. Loss-of-function variants in WNK1 are known to be pathogenic (PMID: 22910560). This variant is present in population databases (rs111033591, gnomAD 0.008%). This premature translational stop signal has been observed in individual(s) with autosomal recessive hereditary sensory and autonomic neuropathy (PMID: 15911806). ClinVar contains an entry for this variant (Variation ID: 5168). For these reasons, this variant has been classified as Pathogenic.

Variantyx, Inc.
Classification: Pathogenic for Neuropathy, hereditary sensory and autonomic, type 2A. Last evaluated: 2025-03-04. Review status: criteria provided, single submitter. Criteria: Variantyx Assertion Criteria 2022. Collection method: clinical testing. Allele origin: germline. Affected: yes.
Comment: This is a nonsense variant in the WNK1 gene (OMIM: 605232). Pathogenic variants in this gene have been associated with autosomal recessive hereditary sensory and autonomic neuropathy type IIA. This variant introduces a premature termination codon in exon 10 out of 28. It is expected to result in loss of function, which is a known disease mechanism for WNK1 in this disorder (PMID: 22910560) (PVS1). This variant has been identified in the homozygous or compound heterozygous state in one or more of the following: the current proband, at least one individual(s) from the published literature (PMID: 15911806), or previous internal cases (PM3_Supporting). This variant has a 0.0027% maximum allele frequency in non-founder control populations (PM2_Supporting). Based on the current evidence, this variant is classified as pathogenic for autosomal recessive hereditary sensory and autonomic neuropathy type IIA.

Laboratory of Genetics, Children's Clinical University Hospital Latvia
Classification: Pathogenic. Last evaluated: 2025-02-16. Review status: criteria provided, single submitter. Criteria: ACMG Guidelines, 2015. Collection method: clinical testing. Allele origin: germline. Affected: yes.

GeneDx
Classification: Pathogenic. Last evaluated: 2023-10-16. Review status: criteria provided, single submitter. Criteria: GeneDx Variant Classification Process June 2021. Collection method: clinical testing. Allele origin: germline. Affected: yes.
Comment: Nonsense variant predicted to result in protein truncation or nonsense mediated decay in a gene for which loss of function is a known mechanism of disease; This variant is associated with the following publications: (PMID: 25525159, 15911806)

Fulgent Genetics
Classification: Pathogenic for Neuropathy, hereditary sensory and autonomic, type 2A; Pseudohypoaldosteronism type 2C. Last evaluated: 2021-09-11. Review status: criteria provided, single submitter. Criteria: ACMG Guidelines, 2015. Collection method: clinical testing. Allele origin: unknown.

OMIM
Classification: Pathogenic for NEUROPATHY, HEREDITARY SENSORY, TYPE IIA. Last evaluated: 2005-05-24. Review status: no assertion criteria provided. Collection method: literature only. Allele origin: germline. Not counted in ClinVar's aggregate classification.

Literature cited by the submitters: PubMed 22910560 (cited by Labcorp Genetics (formerly Invitae), Labcorp); PubMed 15911806 (cited by Labcorp Genetics (formerly Invitae), Labcorp and OMIM).